The following is an entry in ClinVar:

NM_021978.4(ST14):c.876-5C>G

Gene: ST14 (ST14 transmembrane serine protease matriptase; plus strand). Cytogenetic location: 11q24.3.
Variant type: single nucleotide variant.
Coding change: c.876-5C>G on transcript NM_021978.4 (MANE Select); 5 bases into the intron before coding-DNA position 876, C replaced by G.
Molecular consequence: intron variant.
Genome position (GRCh38, 1-based): chr11:130,194,144, C>G. VCF-style: chr11-130194144-C-G. GRCh37 (hg19) VCF-style: chr11-130064039-C-G.
Other names: NC_000011.9:g.130064039C>G.
Identifiers: ClinVar variation 3037522 (VCV003037522.3), dbSNP rs76687780, ClinGen allele CA6363794.

ClinVar aggregate classification (germline): Likely benign (0 of 4 stars; one submission).

Conditions:
ST14-related disorder. Also called: ST14-related condition.

Allele frequency attached by ClinVar (database versions not stated): gnomAD 0.00017; TOPMed 0.00023; ExAC 0.00035; 1000 Genomes Project 30x 0.00094; 1000 Genomes Project 0.00120.
gnomAD v4.1: 303 of 1,614,218 alleles (0.019%); highest among the groups gnomAD compares: East Asian, 0.59%; 2 homozygotes.

Submissions (2):

PreventionGenetics, part of Exact Sciences
Classification: Likely benign for ST14-related condition. Last evaluated: 2019-06-24. Review status: no assertion criteria provided. Collection method: clinical testing. Allele origin: germline.
Comment: This variant is classified as likely benign based on ACMG/AMP sequence variant interpretation guidelines (Richards et al. 2015 PMID: 25741868, with internal and published modifications).

Dr. Peter K. Rogan Lab, Western University
No classification provided (evidence only). Condition: Gastric cancer. Review status: no classification provided. Collection method: in vitro. Allele origin: not applicable. Functional consequence: retained intron. Not counted in ClinVar's aggregate classification.